The following is an entry in ClinVar:

NM_138773.4(SLC25A46):c.884A>C (p.Tyr295Ser)

Gene: SLC25A46 (solute carrier family 25 member 46; plus strand). Cytogenetic location: 5q22.1.
Variant type: single nucleotide variant.
Coding change: c.884A>C on transcript NM_138773.4 (MANE Select); coding-DNA position 884, A replaced by C.
Protein change: p.Tyr295Ser; replaces tyrosine 295 with serine.
Molecular consequence: missense variant. On other transcripts: non-coding transcript variant (1), intron variant (1).
Genome position (GRCh38, 1-based): chr5:110,761,409, A>C. VCF-style: chr5-110761409-A-C. GRCh37 (hg19) VCF-style: chr5-110097109-A-C.
Other names: c.611A>C, p.Tyr204Ser (NM_001303250.3); c.679-38A>C (NM_001303249.3); short protein forms Y204S, Y295S.
Identifiers: ClinVar variation 933935 (VCV000933935.11), dbSNP rs765131039, ClinGen allele CA3364765.

ClinVar aggregate classification (germline): Uncertain significance. Review status: criteria provided, multiple submitters, no conflicts (2 of 4 stars). 2 submissions from 2 submitters: Uncertain significance (2). Last evaluated 2025-04-23.

Conditions:
Neuropathy, hereditary motor and sensory, type 6B (HMSN6B). Also called: NEUROPATHY, HEREDITARY MOTOR AND SENSORY, TYPE VIB, WITH OPTIC ATROPHY; Neuropathy, hereditary motor and sensory, type VIB; HMSN VIB; CHARCOT-MARIE-TOOTH DISEASE, TYPE 6B. Identifiers: MedGen C4225302, MONDO:0014671, OMIM 616505.

Allele frequency attached by ClinVar (database versions not stated): gnomAD 0.00001; gnomAD exomes 0.00002 and 0.00004; ExAC 0.00003; TOPMed 0.00003.
gnomAD v4.1: 34 of 1,613,620 alleles (0.0021%); highest among the groups gnomAD compares: East Asian, 0.071%; 1 homozygote.

Submissions (2):

GeneDx
Classification: Uncertain significance. Last evaluated: 2025-04-23. Review status: criteria provided, single submitter. Criteria: GeneDx Variant Classification Process June 2021. Collection method: clinical testing. Allele origin: germline. Affected: yes.
Comment: In silico analysis indicates that this missense variant does not alter protein structure/function; Has not been previously published as pathogenic or benign to our knowledge

Labcorp Genetics (formerly Invitae), Labcorp
Classification: Uncertain significance for Neuropathy, hereditary motor and sensory, type 6B. Last evaluated: 2019-05-21. Review status: criteria provided, single submitter. Criteria: Invitae Variant Classification Sherloc (09022015). Collection method: clinical testing. Allele origin: germline.
Comment: This sequence change replaces tyrosine with serine at codon 295 of the SLC25A46 protein (p.Tyr295Ser). The tyrosine residue is weakly conserved and there is a large physicochemical difference between tyrosine and serine. This variant is present in population databases (rs765131039, ExAC 0.05%). This variant has not been reported in the literature in individuals with SLC25A46-related conditions. Algorithms developed to predict the effect of missense changes on protein structure and function (SIFT, PolyPhen-2, Align-GVGD) all suggest that this variant is likely to be tolerated, but these predictions have not been confirmed by published functional studies and their clinical significance is uncertain. In summary, the available evidence is currently insufficient to determine the role of this variant in disease. Therefore, it has been classified as a Variant of Uncertain Significance.